The following is an entry in ClinVar:

NM_004393.6(DAG1):c.2576A>G (p.Asn859Ser)

Gene: DAG1 (dystroglycan 1; plus strand). Cytogenetic location: 3p21.31.
Variant type: single nucleotide variant.
Coding change: c.2576A>G on transcript NM_004393.6 (MANE Select); coding-DNA position 2576, A replaced by G.
Protein change: p.Asn859Ser; replaces asparagine 859 with serine.
Molecular consequence: missense variant.
Genome position (GRCh38, 1-based): chr3:49,533,087, A>G. VCF-style: chr3-49533087-A-G. GRCh37 (hg19) VCF-style: chr3-49570520-A-G.
Other names: c.2576A>G, p.Asn859Ser (NM_001165928.4, NM_001177634.3, NM_001177635.3 and 9 more transcripts); c.2576A>G (NM_004393.4); short protein forms N859S.
Identifiers: ClinVar variation 539122 (VCV000539122.10), dbSNP rs754079735, ClinGen allele CA2399293.

ClinVar aggregate classification (germline): Uncertain significance. Review status: criteria provided, multiple submitters, no conflicts (2 of 4 stars). 2 submissions from 2 submitters: Uncertain significance (2). Last evaluated 2025-10-10.

Conditions:
Autosomal recessive limb-girdle muscular dystrophy type 2P. Also called: MUSCULAR DYSTROPHY-DYSTROGLYCANOPATHY, LIMB-GIRDLE, DAG1-RELATED; Limb-Girdle Muscular Dystrophy Type 9C; MUSCULAR DYSTROPHY, LIMB-GIRDLE, TYPE 2P. Identifiers: Orphanet 280333, MedGen C4511963, MONDO:0013440, OMIM 613818.
Muscular dystrophy-dystroglycanopathy (congenital with brain and eye anomalies), type A9. Also called: WALKER-WARBURG SYNDROME OR MUSCLE-EYE BRAIN DISEASE, DAG1-RELATED; Muscular dystrophy-dystroglycanopathy (congenital with brain and eye anomalies), type a, 9. Identifiers: Orphanet 370997, Orphanet 899, MedGen C4225291, MONDO:0014683, OMIM 616538.

Allele frequency attached by ClinVar (database versions not stated): gnomAD exomes 0.00001 and 0.00003; TOPMed 0.00002; ExAC 0.00003; gnomAD 0.00003.
gnomAD v4.1: 23 of 1,614,020 alleles (0.0014%); highest among the groups gnomAD compares: East Asian, 0.0045%; no homozygotes.

Submissions (2):

Athena Diagnostics
Classification: Uncertain significance. Last evaluated: 2025-10-10. Review status: criteria provided, single submitter. Criteria: Athena Diagnostics Criteria. Collection method: clinical testing. Allele origin: unknown.
Comment: Available data are insufficient to determine the clinical significance of the variant at this time. The frequency of this variant in the general population is uninformative in assessment of its pathogenicity. Polyphen and MutationTaster predict this amino acid change may be benign.

Labcorp Genetics (formerly Invitae), Labcorp
Classification: Uncertain significance for Autosomal recessive limb-girdle muscular dystrophy type 2P; Muscular dystrophy-dystroglycanopathy (congenital with brain and eye anomalies), type A9. Last evaluated: 2024-10-18. Review status: criteria provided, single submitter. Criteria: Invitae Variant Classification Sherloc (09022015). Collection method: clinical testing. Allele origin: germline.
Comment: This sequence change replaces asparagine, which is neutral and polar, with serine, which is neutral and polar, at codon 859 of the DAG1 protein (p.Asn859Ser). This variant is present in population databases (rs754079735, gnomAD 0.006%). This variant has not been reported in the literature in individuals affected with DAG1-related conditions. ClinVar contains an entry for this variant (Variation ID: 539122). Invitae Evidence Modeling of protein sequence and biophysical properties (such as structural, functional, and spatial information, amino acid conservation, physicochemical variation, residue mobility, and thermodynamic stability) indicates that this missense variant is not expected to disrupt DAG1 protein function with a negative predictive value of 80%. In summary, the available evidence is currently insufficient to determine the role of this variant in disease. Therefore, it has been classified as a Variant of Uncertain Significance.